The following is an entry in ClinVar:

NM_007294.4(BRCA1):c.81-12C>T

Gene: BRCA1 (BRCA1 DNA repair associated; minus strand). Cytogenetic location: 17q21.31.
Variant type: single nucleotide variant.
Coding change: c.81-12C>T on transcript NM_007294.4 (MANE Select); 12 bases into the intron before coding-DNA position 81, C replaced by T.
Molecular consequence: intron variant.
Genome position (GRCh38, 1-based): chr17:43,115,791, G>A on the plus strand (C>T on the coding strand, the complement: BRCA1 is on the minus strand). VCF-style: chr17-43115791-G-A. GRCh37 (hg19) VCF-style: chr17-41267808-G-A.
Other names: c.-61-12C>T (NM_001408458.1, NM_001408470.1, NM_001407848.1 and 47 more transcripts); c.-219+9486C>T (NM_001407967.1); c.-170+9486C>T (NM_001407959.1); c.-7-9258C>T (NM_001407931.1, NM_001407747.1, NM_001408511.1 and 2 more transcripts); c.-223-12C>T (NM_001407962.1, NM_001408512.1, NM_001408510.1 and 1 more transcripts); c.-108-12C>T (NM_001407885.1, NM_001407886.1, NM_001408509.1 and 52 more transcripts); c.-177-12C>T (NM_001407746.1, NM_001408468.1, NM_001407842.1 and 13 more transcripts); c.-8+8226C>T (NM_001408461.1, NM_001407738.1, NM_001407932.1 and 23 more transcripts); and 10 more.
Identifiers: ClinVar variation 491189 (VCV000491189.12), dbSNP rs80358055, ClinGen allele CA658684102.

ClinVar aggregate classification (germline): Likely benign. Review status: criteria provided, multiple submitters, no conflicts (2 of 4 stars). 3 submissions from 3 submitters: Likely benign (2). 1 of the submissions does not count toward it. Last evaluated 2022-04-23.

Conditions:
Hereditary breast ovarian cancer syndrome. Also called: Breast and ovarian cancer; Hereditary breast and/or ovarian cancer syndrome; BRCA1- and BRCA2-Associated Hereditary Breast and Ovarian Cancer; Hereditary breast and ovarian cancer syndrome; Hereditary breast and ovarian cancer syndrome (HBOC); Hereditary breast and ovarian cancer. Identifiers: Orphanet 145, MedGen C0677776, MeSH D061325, MONDO:0003582. Disease mechanism: loss of function.
Hereditary cancer-predisposing syndrome. Also called: Tumor predisposition; Hereditary Cancer Syndrome; Hereditary neoplastic syndrome; Neoplastic Syndromes, Hereditary. Identifiers: Orphanet 140162, MedGen C0027672, MeSH D009386, MONDO:0015356.

Submissions (4):

Labcorp Genetics (formerly Invitae), Labcorp
Classification: Likely benign for Hereditary breast ovarian cancer syndrome. Last evaluated: 2022-04-23. Review status: criteria provided, single submitter. Criteria: Invitae Variant Classification Sherloc (09022015). Collection method: clinical testing. Allele origin: germline.

Color Diagnostics, LLC DBA Color Health
Classification: Likely benign for Hereditary cancer-predisposing syndrome. Last evaluated: 2017-07-25. Review status: criteria provided, single submitter. Criteria: ACMG Guidelines, 2015. Collection method: clinical testing. Allele origin: germline.

Brotman Baty Institute, University of Washington
No classification provided (evidence only). Condition: Breast-ovarian cancer, familial 1. Review status: no classification provided. Collection method: in vitro. Allele origin: not applicable. Functional consequence: functionally_normal. Not counted in ClinVar's aggregate classification.
ClinVar note: "not provided" was previously submitted as the classification for the variant. However, the classification appeared to be based only on an observation of functional data so it was converted to no classification on 2025-07-30.

Department of Pathology and Laboratory Medicine, Sinai Health System
Classification: Uncertain significance. Review status: no assertion criteria provided. Collection method: clinical testing. Allele origin: unknown. Affected: yes. Study: The Canadian Open Genetics Repository (COGR). Not counted in ClinVar's aggregate classification.
Comment: The BRCA1 c.81-12C>T variant was not identified in the literature nor was it identified in the dbSNP COGR, Cosmic, LOVD 3.0, UMD-LSDB, BIC Database, ARUP Laboratories, or the Zhejiang University database. The variant was identified in the ClinVar database (classified as likely benign by Color Genomics). The variant was not identified in the following control databases: The Exome Aggregation Consortium (August 8th 2016), or the Genome Aggregation Database (Feb 27, 2017). The c.81-12C>T variant is located in the 3' splice region but does not affect the invariant -1 and -2 positions. However, positions -3 and -5 to -12 are part of the splicing consensus sequence and variants involving these positions sometimes affect splicing. However, in silico or computational prediction software programs (SpliceSiteFinder, MaxEntScan, NNSPLICE, GeneSplicer) do not predict a difference in splicing. In summary, based on the above information the clinical significance of this variant cannot be determined with certainty at this time. This variant is classified as a variant of uncertain significance.